The following is an entry in ClinVar:

ClinVar aggregate classification (germline): Benign/Likely benign. Review status: criteria provided, multiple submitters, no conflicts (2 of 4 stars). 2 submissions from 2 submitters: Benign (1); Likely benign (1). Last evaluated 2026-05-01.

Allele frequency attached by ClinVar (database versions not stated): gnomAD exomes below 0.00001.
gnomAD v4.1: 1 of 1,600,728 alleles (0.000062%); highest among the groups gnomAD compares: Non-Finnish European, 0.000085%; no homozygotes.

Submissions (2):

CeGaT Center for Human Genetics Tuebingen
Classification: Likely benign. Last evaluated: 2026-05-01. Review status: criteria provided, single submitter. Criteria: CeGaT Center For Human Genetics Tuebingen Variant Classification Criteria Version 2. Collection method: clinical testing. Allele origin: germline. Affected: yes. Observed: 2 variant alleles.
Comment: RERE: BP4, BP7

Labcorp Genetics (formerly Invitae), Labcorp
Classification: Benign. Last evaluated: 2025-05-18. Review status: criteria provided, single submitter. Criteria: Invitae Variant Classification Sherloc (09022015). Collection method: clinical testing. Allele origin: germline.

NM_001042681.2(RERE):c.3936G>T (p.Arg1312=)

Gene: RERE (arginine-glutamic acid dipeptide repeats; minus strand). Cytogenetic location: 1p36.23.
Variant type: single nucleotide variant.
Coding change: c.3936G>T on transcript NM_001042681.2 (MANE Select); coding-DNA position 3936, G replaced by T.
Protein change: p.Arg1312=; no amino-acid change (arginine 1312 retained).
Molecular consequence: synonymous variant.
Genome position (GRCh38, 1-based): chr1:8,358,599, C>A on the plus strand (G>T on the coding strand, the complement: RERE is on the minus strand). VCF-style: chr1-8358599-C-A. GRCh37 (hg19) VCF-style: chr1-8418659-C-A.
Other names: c.2274G>T, p.Arg758= (NM_001042682.2); c.3936G>T, p.Arg1312= (NM_012102.4).
Identifiers: ClinVar variation 1599262 (VCV001599262.18), dbSNP rs1272255311, ClinGen allele CA416029707.
Genomic context (GRCh38, chr1:8,358,599, plus strand): 5'-TGGGGGCTTCACCTCGAAGCCCGGCTTCATCCTCTCCCGCAGCTCCCGCTCTCGGATCTC[C>A]CGCTCTCGGATCTCCCGCTCCCGGAGCTCCCGCTCGCGGATGGTGGGGTCGACGTTGTAG-3'
Protein context (NP_001036146.1, residues 1302-1322): RELREREIRE[Arg1312=]EIRERELRER